The following is an entry in ClinVar:

ClinVar aggregate classification (germline): Pathogenic/Likely pathogenic. Review status: criteria provided, multiple submitters, no conflicts (2 of 4 stars). 9 submissions from 9 submitters: Pathogenic (1); Likely pathogenic (5). 3 of the submissions do not count toward it. Last evaluated 2024-05-16.

Conditions:
Pituitary adenoma 5, multiple types. Identifiers: MedGen C4539685, MONDO:0054601, OMIM 617540.
Usher syndrome. Also called: Usher Syndromes; Usher's syndrome. Identifiers: Orphanet 886, MedGen CN469326, MeSH D052245, MONDO:0019501. Disease mechanism: loss of function.
Autosomal recessive nonsyndromic hearing loss 12. Also called: DEAFNESS, AUTOSOMAL RECESSIVE 12. Identifiers: Orphanet 90636, MedGen C1832394, MONDO:0011067, OMIM 601386.
Usher syndrome type 1D (USH1D). Also called: USHER SYNDROME, TYPE ID. Identifiers: Orphanet 231169, Orphanet 886, MedGen C1832845, MONDO:0010984, OMIM 601067.
Usher syndrome type 1 (USH1). Also called: RETINITIS PIGMENTOSA AND CONGENITAL DEAFNESS. Identifiers: Orphanet 231169, Orphanet 886, MedGen C1568247, MONDO:0010168, OMIM 276900.
Hearing loss, autosomal recessive. Also called: Autosomal recessive nonsyndromic deafness; Rare autosomal recessive non-syndromic sensorineural deafness type DFNB; Nonsyndromic Hearing Loss, Recessive; Deafness, autosomal recessive. Identifiers: Orphanet 90635, Orphanet 90636, MedGen C1846647, MONDO:0019588, OMIM 607197.

Allele frequency attached by ClinVar (database versions not stated): TOPMed 0.00001.
gnomAD v4.1: 5 of 1,613,568 alleles (0.00031%); highest among the groups gnomAD compares: East Asian, 0.0045%; no homozygotes.

Submissions (9):

Fulgent Genetics
Classification: Likely pathogenic for Usher syndrome type 1D; Autosomal recessive nonsyndromic hearing loss 12; Pituitary adenoma 5, multiple types. Last evaluated: 2024-05-16. Review status: criteria provided, single submitter. Criteria: ACMG Guidelines, 2015. Collection method: clinical testing. Allele origin: germline.

Baylor Genetics
Classification: Likely pathogenic for Pituitary adenoma 5, multiple types. Last evaluated: 2024-02-17. Review status: criteria provided, single submitter. Criteria: ACMG Guidelines, 2015. Collection method: clinical testing. Allele origin: unknown.

Labcorp Genetics (formerly Invitae), Labcorp
Classification: Pathogenic. Last evaluated: 2024-01-22. Review status: criteria provided, single submitter. Criteria: Invitae Variant Classification Sherloc (09022015). Collection method: clinical testing. Allele origin: germline.
Comment: This sequence change replaces aspartic acid, which is acidic and polar, with asparagine, which is neutral and polar, at codon 2202 of the CDH23 protein (p.Asp2202Asn). The frequency data for this variant in the population databases is considered unreliable, as metrics indicate poor data quality at this position in the gnomAD database. This missense change has been observed in individual(s) with non-syndromic deafness (PMID: 11090341, 21940737, 31445392, 35020051). In at least one individual the data is consistent with being in trans (on the opposite chromosome) from a pathogenic variant. It has also been observed to segregate with disease in related individuals. This variant is also known as D1400N. ClinVar contains an entry for this variant (Variation ID: 4920). Advanced modeling of protein sequence and biophysical properties (such as structural, functional, and spatial information, amino acid conservation, physicochemical variation, residue mobility, and thermodynamic stability) has been performed at Invitae for this missense variant, however the output from this modeling did not meet the statistical confidence thresholds required to predict the impact of this variant on CDH23 protein function. For these reasons, this variant has been classified as Pathogenic.

Women's Health and Genetics/Laboratory Corporation of America, LabCorp
Classification: Likely pathogenic for Usher syndrome. Last evaluated: 2023-09-14. Review status: criteria provided, single submitter. Criteria: LabCorp Variant Classification Summary - May 2015. Collection method: clinical testing. Allele origin: germline.
Comment: Variant summary: CDH23 c.6604G>A (p.Asp2202Asn) results in a conservative amino acid change in the encoded protein sequence. Three of four in-silico tools predict a damaging effect of the variant on protein function. The variant allele was found at a frequency of 8e-06 in 248868 control chromosomes (gnomAD). c.6604G>A has been reported in the literature in bi-allelic individuals affected with autosomal recessive non syndromic hearing loss (examples: Schultz_2011, Kim_2016, Chen_2019). These data indicate that the variant is likely to be associated with disease. To our knowledge, no experimental evidence demonstrating an impact on protein function has been reported. The following publications have been ascertained in the context of this evaluation (PMID: 21940737, 31445392, 11090341, 35020051, 27792758, 27018795). Two submitters have cited clinical-significance assessments for this variant to ClinVar after 2014. All submitters classified the variant as likely pathogenic. Based on the evidence outlined above, the variant was classified as likely pathogenic.

Genetics Research Center, University of Social Welfare and Rehabilitation Sciences
Classification: Likely pathogenic for Autosomal recessive nonsyndromic hearing loss 12. Review status: criteria provided, single submitter. Criteria: ACMG Guidelines, 2015. Collection method: research. Allele origin: germline. Affected: yes.
Comment: The variant is present in the gnomAD v2.1.1 dataset at a very low allele frequency (0.0008%) and has been previously reported in individual(s) affected with CDH23-related hearing loss (PMID:35020051, 31445392, 30303587, 27792758, 27018795, 21940737, 11090341). It has also been observed to segregate with disease in related individuals. Multiple in silico prediction tools suggest that the variant is damaging to protein function.

Juno Genomics, Hangzhou Juno Genomics, Inc
Classification: Likely pathogenic for Usher syndrome type 1D; Pituitary adenoma 5, multiple types; Autosomal recessive nonsyndromic hearing loss 12. Review status: criteria provided, single submitter. Criteria: ACMG Guidelines, 2015. Collection method: clinical testing. Allele origin: germline.
Comment: Absent from controls (or at extremely low frequency if recessive) in Genome Aggregation Database.;Multiple lines of computational evidence support a deleterious effect on the gene or gene product.;For recessive disorders, detected in trans with a pathogenic variant.;Co-segregation with disease in multiple affected family members.;Patient's phenotype or family history is highly specific for a disease with a single genetic etiology.

Natera, Inc.
Classification: Likely pathogenic for Usher syndrome type 1. Last evaluated: 2020-10-15. Review status: no assertion criteria provided. Collection method: clinical testing. Allele origin: germline. Not counted in ClinVar's aggregate classification.

OMIM
Classification: Pathogenic for DEAFNESS, AUTOSOMAL RECESSIVE 12. Last evaluated: 2001-01-01. Review status: no assertion criteria provided. Collection method: literature only. Allele origin: germline. Not counted in ClinVar's aggregate classification.

University of Washington Center for Mendelian Genomics, University of Washington
Classification: Likely pathogenic for non-syndromic autosomal recessive hearing loss. Review status: no assertion criteria provided. Collection method: research. Allele origin: inherited. Affected: yes. Not counted in ClinVar's aggregate classification.

Literature cited by the submitters: PubMed 11090341 (cited by 4 submitters); PubMed 21940737 (cited by 3 submitters); PubMed 31445392 (cited by 3 submitters); PubMed 35020051 (cited by 3 submitters); PubMed 27018795 (cited by Women's Health and Genetics/Laboratory Corporation of America, LabCorp and Genetics Research Center, University of Social Welfare and Rehabilitation Sciences); PubMed 27792758 (cited by Women's Health and Genetics/Laboratory Corporation of America, LabCorp and Genetics Research Center, University of Social Welfare and Rehabilitation Sciences); PubMed 30303587 (cited by Genetics Research Center, University of Social Welfare and Rehabilitation Sciences and University of Washington Center for Mendelian Genomics, University of Washington).

NM_022124.6(CDH23):c.6604G>A (p.Asp2202Asn)

Gene: CDH23 (cadherin related 23; plus strand). Cytogenetic location: 10q22.1.
Variant type: single nucleotide variant.
Coding change: c.6604G>A on transcript NM_022124.6 (MANE Select); coding-DNA position 6604, G replaced by A.
Protein change: p.Asp2202Asn; replaces aspartic acid 2202 with asparagine.
Molecular consequence: missense variant.
Genome position (GRCh38, 1-based): chr10:71,793,532, G>A. VCF-style: chr10-71793532-G-A. GRCh37 (hg19) VCF-style: chr10-73553289-G-A.
Other names: D1400N; short protein forms D2202N.
Identifiers: ClinVar variation 4920 (VCV000004920.18), dbSNP rs121908349, ClinGen allele CA253328.